The following is an entry in ClinVar:

NM_138694.4(PKHD1):c.708-1G>A

Gene: PKHD1 (PKHD1 ciliary IPT domain containing fibrocystin/polyductin; minus strand). Cytogenetic location: 6p12.2.
Variant type: single nucleotide variant.
Coding change: c.708-1G>A on transcript NM_138694.4 (MANE Select); the canonical splice acceptor site of the intron before coding-DNA position 708, G replaced by A.
Molecular consequence: splice acceptor variant.
Genome position (GRCh38, 1-based): chr6:52,069,528, C>T on the plus strand (G>A on the coding strand, the complement: PKHD1 is on the minus strand). VCF-style: chr6-52069528-C-T. GRCh37 (hg19) VCF-style: chr6-51934326-C-T.
Other names: c.708-1G>A (NM_170724.3).
Identifiers: ClinVar variation 557869 (VCV000557869.3), dbSNP rs1554222508, ClinGen allele CA364432160.

ClinVar aggregate classification (germline): Likely pathogenic. Review status: criteria provided, single submitter (1 of 4 stars). 2 submissions from 2 submitters: Likely pathogenic (1). 1 of the submissions does not count toward it. Last evaluated 2025-04-28.

Conditions:
Autosomal recessive polycystic kidney disease (ARPKD). Also called: AR polycystic kidney disease. Identifiers: Orphanet 731, Orphanet 8378, MedGen C0085548, MeSH D017044, MONDO:0009889.
Polycystic kidney disease 4 (PKD4). Also called: POLYCYSTIC KIDNEY DISEASE 4 WITH OR WITHOUT POLYCYSTIC LIVER DISEASE; POLYCYSTIC KIDNEY AND HEPATIC DISEASE 1; POLYCYSTIC KIDNEY DISEASE, INFANTILE, TYPE I; PKD3; Autosomal Recessive Polycystic Kidney Disease – PKHD1. Identifiers: MedGen C4540575, MONDO:0033004, OMIM 263200.

Submissions (2):

Natera, Inc.
Classification: Likely pathogenic for Autosomal recessive polycystic kidney disease. Last evaluated: 2025-04-28. Review status: criteria provided, single submitter. Criteria: Natera Variant Classification Schema (03/2026). Collection method: clinical testing. Allele origin: germline.
Comment: The c.708-1G>A variant in PKHD1 is a canonical splice acceptor site variant predicted to affect pre-mRNA splicing, which may result in an abnormal transcript and altered protein product. This variant is expected to result in nonsense mediated decay, truncation, or a dysfunctional protein product. This variant is rare in the general population with a frequency below the threshold expected for the associated phenotype(s). Given the available evidence, this variant is classified as Likely Pathogenic.

Counsyl
Classification: Likely pathogenic for Polycystic kidney disease 4. Last evaluated: 2018-04-13. Review status: no assertion criteria provided. Collection method: clinical testing. Allele origin: unknown. Not counted in ClinVar's aggregate classification.